The following is an entry in ClinVar:

NM_032217.5(ANKRD17):c.4255A>G (p.Met1419Val)

Gene: ANKRD17 (ankyrin repeat domain 17; minus strand). Cytogenetic location: 4q13.3.
Variant type: single nucleotide variant.
Coding change: c.4255A>G on transcript NM_032217.5 (MANE Select); coding-DNA position 4255, A replaced by G.
Protein change: p.Met1419Val; replaces methionine 1419 with valine.
Molecular consequence: missense variant.
Genome position (GRCh38, 1-based): chr4:73,115,850, T>C on the plus strand (A>G on the coding strand, the complement: ANKRD17 is on the minus strand). VCF-style: chr4-73115850-T-C. GRCh37 (hg19) VCF-style: chr4-73981567-T-C.
Other names: c.3916A>G, p.Met1306Val (NM_001286771.3); c.4252A>G, p.Met1418Val (NM_015574.2); c.3502A>G, p.Met1168Val (NM_198889.3); short protein forms M1168V, M1306V, M1418V, M1419V.
Identifiers: ClinVar variation 3602218 (VCV003602218.1).

ClinVar aggregate classification (germline): Uncertain significance (1 of 4 stars; one submission).

Submission:

GeneDx
Classification: Uncertain significance. Last evaluated: 2024-07-26. Review status: criteria provided, single submitter. Criteria: GeneDx Variant Classification Process June 2021. Collection method: clinical testing. Allele origin: germline. Affected: yes.
Comment: Not observed at significant frequency in large population cohorts (gnomAD); In silico analysis supports that this missense variant does not alter protein structure/function; Has not been previously published as pathogenic or benign to our knowledge; This variant is associated with the following publications: (PMID: 27535533)